The following is an entry in ClinVar:

NM_001378120.1(MBD5):c.1855A>G (p.Thr619Ala)

Gene: MBD5 (methyl-CpG binding domain protein 5; plus strand). Cytogenetic location: 2q23.1.
Variant type: single nucleotide variant.
Coding change: c.1855A>G on transcript NM_001378120.1 (MANE Select); coding-DNA position 1855, A replaced by G.
Protein change: p.Thr619Ala; replaces threonine 619 with alanine.
Molecular consequence: missense variant.
Genome position (GRCh38, 1-based): chr2:148,469,798, A>G. VCF-style: chr2-148469798-A-G. GRCh37 (hg19) VCF-style: chr2-149227367-A-G.
Other names: c.1855A>G, p.Thr619Ala (NM_018328.5); short protein forms T619A.
Identifiers: ClinVar variation 2576161 (VCV002576161.1), dbSNP rs2469870125, ClinGen allele CA348720588.

ClinVar aggregate classification (germline): Uncertain significance (1 of 4 stars; one submission).

Submission:

Institute for Clinical Genetics, University Hospital TU Dresden, University Hospital TU Dresden
Classification: Uncertain significance. Last evaluated: 2023-06-21. Review status: criteria provided, single submitter. Criteria: ACMG Guidelines, 2015. Collection method: clinical testing. Allele origin: maternal.
Comment: PM2_SUP